The following is an entry in ClinVar:

NM_001006658.3(CR2):c.1163G>A (p.Ser388Asn)

Genes: CR2 (complement C3d receptor 2; plus strand), LOC126805994 (BRD4-independent group 4 enhancer GRCh37_chr1:207642622-207643821; plus strand). Cytogenetic location: 1q32.2.
Variant type: single nucleotide variant.
Coding change: c.1163G>A on transcript NM_001006658.3 (MANE Select); coding-DNA position 1163, G replaced by A.
Protein change: p.Ser388Asn; replaces serine 388 with asparagine.
Molecular consequence: missense variant.
Genome position (GRCh38, 1-based): chr1:207,470,040, G>A. VCF-style: chr1-207470040-G-A. GRCh37 (hg19) VCF-style: chr1-207643385-G-A.
Other names: c.1163G>A, p.Ser388Asn (NM_001877.5); short protein forms S388N.
Identifiers: ClinVar variation 1406006 (VCV001406006.5), dbSNP rs768387209, ClinGen allele CA1368640.
Genomic context (GRCh38, chr1:207,470,040, plus strand): 5'-GATATACCTATAACGACACTGTGATATTTGCTTGCATGTTTGGCTTCACCTTGAAGGGCA[G>A]CAAGCAAATCCGATGCAATGCCCAAGGCACATGGGAGCCATCTGCACCAGTCTGTGAAAA-3'
Protein context (NP_001006659.1, residues 378-398): ACMFGFTLKG[Ser388Asn]KQIRCNAQGT

ClinVar aggregate classification (germline): Uncertain significance (1 of 4 stars; one submission).

Conditions:
Immunodeficiency, common variable, 7. Identifiers: Orphanet 1572, Orphanet 696894, MedGen C3542922, MONDO:0013862, OMIM 614699.

Allele frequency attached by ClinVar (database versions not stated): ExAC 0.00001; gnomAD exomes below 0.00001 and 0.00001; gnomAD 0.00001.
gnomAD v4.1: 11 of 1,613,880 alleles (0.00068%); highest among the groups gnomAD compares: Admixed American, 0.0033%; no homozygotes.

Submission:

Labcorp Genetics (formerly Invitae), Labcorp
Classification: Uncertain significance for Immunodeficiency, common variable, 7. Last evaluated: 2021-08-04. Review status: criteria provided, single submitter. Criteria: Invitae Variant Classification Sherloc (09022015). Collection method: clinical testing. Allele origin: germline.
Comment: This sequence change replaces serine with asparagine at codon 388 of the CR2 protein (p.Ser388Asn). The serine residue is moderately conserved and there is a small physicochemical difference between serine and asparagine. This variant is present in population databases (rs768387209, ExAC 0.009%). This variant has not been reported in the literature in individuals affected with CR2-related conditions. Algorithms developed to predict the effect of missense changes on protein structure and function output the following: SIFT: "Tolerated"; PolyPhen-2: "Benign"; Align-GVGD: "Class C0". The asparagine amino acid residue is found in multiple mammalian species, which suggests that this missense change does not adversely affect protein function. In summary, the available evidence is currently insufficient to determine the role of this variant in disease. Therefore, it has been classified as a Variant of Uncertain Significance.